The following is an entry in ClinVar:

NM_004304.5(ALK):c.1734C>T (p.Gly578=)

Gene: ALK (ALK receptor tyrosine kinase; minus strand). Cytogenetic location: 2p23.2.
Variant type: single nucleotide variant.
Coding change: c.1734C>T on transcript NM_004304.5 (MANE Select); coding-DNA position 1734, C replaced by T.
Protein change: p.Gly578=; no amino-acid change (glycine 578 retained).
Molecular consequence: synonymous variant.
Genome position (GRCh38, 1-based): chr2:29,296,971, G>A on the plus strand (C>T on the coding strand, the complement: ALK is on the minus strand). VCF-style: chr2-29296971-G-A. GRCh37 (hg19) VCF-style: chr2-29519837-G-A.
Other names: c.1734C>T (NM_004304.4).
Identifiers: ClinVar variation 998993 (VCV000998993.9), dbSNP rs1666203885, ClinGen allele CA425434435.

ClinVar aggregate classification (germline): Conflicting classifications of pathogenicity. Review status: criteria provided, conflicting classifications (1 of 4 stars). 2 submissions from 2 submitters: Uncertain significance (1); Likely benign (1). Last evaluated 2026-03-02.

Conditions:
Hereditary cancer-predisposing syndrome. Also called: Tumor predisposition; Hereditary neoplastic syndrome; Hereditary Cancer Syndrome; Neoplastic Syndromes, Hereditary. Identifiers: Orphanet 140162, MedGen C0027672, MeSH D009386, MONDO:0015356.
Neuroblastoma, susceptibility to, 3. Also called: ALK-Related Neuroblastic Tumor Susceptibility. Identifiers: Orphanet 635, MedGen C2751681, MONDO:0013083, OMIM 613014.

Submissions (2):

Ambry Genetics
Classification: Uncertain significance for Hereditary cancer-predisposing syndrome. Last evaluated: 2026-03-02. Review status: criteria provided, single submitter. Criteria: Ambry Variant Classification Scheme 2023. Collection method: clinical testing. Allele origin: germline.
Comment: The c.1734C>T variant (also known as p.G578G), located in coding exon 9 of the ALK gene, results from a C to T substitution at nucleotide position 1734. This nucleotide substitution does not change the glycine at codon 578. This nucleotide position is highly conserved in available vertebrate species. In silico splice site analysis predicts that this alteration may result in the creation or strengthening of a novel splice donor site. Based on the available evidence, the clinical significance of this variant remains unclear.

Labcorp Genetics (formerly Invitae), Labcorp
Classification: Likely benign for Neuroblastoma, susceptibility to, 3. Last evaluated: 2026-01-05. Review status: criteria provided, single submitter. Criteria: Invitae Variant Classification Sherloc (09022015). Collection method: clinical testing. Allele origin: germline.